The following is an entry in ClinVar:

ClinVar aggregate classification (germline): conflicting data from submitters (0 of 4 stars; one submission).

Submission:

ISCA site 1
Classification: conflicting data from submitters. Last evaluated: 2015-06-22. Review status: no assertion criteria provided. Collection method: clinical testing. Allele origin: maternal, unknown. Affected: yes. Observed: 2 variant alleles.
Comment: Uncertain significance(1), Likely benign (1)

Copy number variation identified through the course of routine clinical cytogenomic testing in postnatal populations, with clinical assertions as classified by the original submitter. For data from the original published study, Kaminsky, et al. 2011 (PubMed 21844811), please see nstd101.

GRCh37/hg19 17p13.3(chr17:525-632905)x3

Genes: DOC2B (double C2 domain beta; minus strand), LIAT1 (ligand of ATE1; plus strand), RFLNB (refilin B; minus strand), RPH3AL (rabphilin 3A like (without C2 domains)), VPS53 (VPS53 subunit of GARP complex; minus strand). Cytogenetic location: 17p13.3.
Variant type: copy number gain.
Change: copy number 3 (three copies instead of two) of chr17:525-632,905 (632.4 kb, GRCh37 coordinates, 1-based), cytogenetic band 17p13.3.
Identifiers: ClinVar variation 441880 (VCV000441880.2).